The following is an entry in ClinVar:

NM_020207.7(ERCC6L2):c.1442A>G (p.Gln481Arg)

Gene: ERCC6L2 (ERCC excision repair 6 like 2; plus strand). Cytogenetic location: 9q22.32.
Variant type: single nucleotide variant.
Coding change: c.1442A>G on transcript NM_020207.7 (MANE Select); coding-DNA position 1442, A replaced by G.
Protein change: p.Gln481Arg; replaces glutamine 481 with arginine.
Molecular consequence: missense variant. On other transcripts: non-coding transcript variant (1).
Genome position (GRCh38, 1-based): chr9:95,923,288, A>G. VCF-style: chr9-95923288-A-G. GRCh37 (hg19) VCF-style: chr9-98685570-A-G.
Other names: c.1442A>G, p.Gln481Arg (NM_001010895.4, NM_001375291.1, NM_001375292.1 and 2 more transcripts); short protein forms Q481R.
Identifiers: ClinVar variation 4250638 (VCV004250638.1).

ClinVar aggregate classification (germline): Uncertain significance (1 of 4 stars; one submission).

Conditions:
Inborn genetic diseases. Identifiers: MedGen C0950123, MeSH D030342.

Submission:

Ambry Genetics
Classification: Uncertain significance for Inborn genetic diseases. Last evaluated: 2025-08-31. Review status: criteria provided, single submitter. Criteria: Ambry Variant Classification Scheme 2023. Collection method: clinical testing. Allele origin: germline.
Comment: The p.Q481R variant (also known as c.1442A>G), located in coding exon 9 of the ERCC6L2 gene, results from an A to G substitution at nucleotide position 1442. The glutamine at codon 481 is replaced by arginine, an amino acid with highly similar properties. This amino acid position is conserved. In addition, this alteration is predicted to be tolerated by in silico analysis. Based on the available evidence, the clinical significance of this variant remains unclear.